The following is an entry in ClinVar:

ClinVar aggregate classification (germline): Uncertain significance (1 of 4 stars; one submission).

Conditions:
Cardiovascular phenotype. Identifiers: MedGen CN230736.

Submission:

Ambry Genetics
Classification: Uncertain significance for Cardiovascular phenotype. Last evaluated: 2021-02-09. Review status: criteria provided, single submitter. Criteria: Ambry Variant Classification Scheme 2023. Collection method: clinical testing. Allele origin: germline.
Comment: The c.201+4G>A intronic variant results from a G to A substitution 4 nucleotides after coding exon 1 in the MYH7 gene. This nucleotide position is not well conserved in available vertebrate species. In silico splice site analysis predicts that this alteration will not have any significant effect on splicing. Since supporting evidence is limited at this time, the clinical significance of this alteration remains unclear.

NM_000257.4(MYH7):c.201+4G>A

Gene: MYH7 (myosin heavy chain 7; minus strand). Cytogenetic location: 14q11.2.
Variant type: single nucleotide variant.
Coding change: c.201+4G>A on transcript NM_000257.4 (MANE Select); 4 bases into the intron after coding-DNA position 201, G replaced by A.
Molecular consequence: intron variant.
Genome position (GRCh38, 1-based): chr14:23,433,528, C>T on the plus strand (G>A on the coding strand, the complement: MYH7 is on the minus strand). VCF-style: chr14-23433528-C-T. GRCh37 (hg19) VCF-style: chr14-23902737-C-T.
Identifiers: ClinVar variation 1784394 (VCV001784394.2), dbSNP rs748711806, ClinGen allele CA613318130.